The following is an entry in ClinVar:

NM_001363711.2(DUOX2):c.2413G>A (p.Glu805Lys)

Gene: DUOX2 (dual oxidase 2; minus strand). Cytogenetic location: 15q21.1.
Variant type: single nucleotide variant.
Coding change: c.2413G>A on transcript NM_001363711.2 (MANE Select); coding-DNA position 2413, G replaced by A.
Protein change: p.Glu805Lys; replaces glutamic acid 805 with lysine.
Molecular consequence: missense variant.
Genome position (GRCh38, 1-based): chr15:45,104,287, C>T on the plus strand (G>A on the coding strand, the complement: DUOX2 is on the minus strand). VCF-style: chr15-45104287-C-T. GRCh37 (hg19) VCF-style: chr15-45396485-C-T.
Other names: c.2413G>A, p.Glu805Lys (NM_014080.5); short protein forms E805K.
Identifiers: ClinVar variation 3704464 (VCV003704464.2).

ClinVar aggregate classification (germline): Uncertain significance (1 of 4 stars; one submission).

gnomAD v4.1: 43 of 1,614,130 alleles (0.0027%); highest among the groups gnomAD compares: Non-Finnish European, 0.0036%; no homozygotes.

Submission:

Labcorp Genetics (formerly Invitae), Labcorp
Classification: Uncertain significance. Last evaluated: 2024-05-01. Review status: criteria provided, single submitter. Criteria: Invitae Variant Classification Sherloc (09022015). Collection method: clinical testing. Allele origin: germline.
Comment: This sequence change replaces glutamic acid, which is acidic and polar, with lysine, which is basic and polar, at codon 805 of the DUOX2 protein (p.Glu805Lys). The frequency data for this variant in the population databases is considered unreliable, as metrics indicate poor data quality at this position in the gnomAD database. This missense change has been observed in individual(s) with congenital hypothyroidism (PMID: 30022773). Advanced modeling of protein sequence and biophysical properties (such as structural, functional, and spatial information, amino acid conservation, physicochemical variation, residue mobility, and thermodynamic stability) performed at Invitae indicates that this missense variant is not expected to disrupt DUOX2 protein function with a negative predictive value of 80%. In summary, the available evidence is currently insufficient to determine the role of this variant in disease. Therefore, it has been classified as a Variant of Uncertain Significance.

Literature cited by the submitters: PubMed 30022773.